The following is an entry in ClinVar:

NM_001277115.2(DNAH11):c.9824A>C (p.Tyr3275Ser)

Gene: DNAH11 (dynein axonemal heavy chain 11; plus strand). Cytogenetic location: 7p15.3.
Variant type: single nucleotide variant.
Coding change: c.9824A>C on transcript NM_001277115.2 (MANE Select); coding-DNA position 9824, A replaced by C.
Protein change: p.Tyr3275Ser; replaces tyrosine 3275 with serine.
Molecular consequence: missense variant.
Genome position (GRCh38, 1-based): chr7:21,787,483, A>C. VCF-style: chr7-21787483-A-C. GRCh37 (hg19) VCF-style: chr7-21827101-A-C.
Other names: NM_001277115.2:c.9824A>C; short protein forms Y3275S.
Identifiers: ClinVar variation 3776942 (VCV003776942.1).

ClinVar aggregate classification (germline): Uncertain significance (1 of 4 stars; one submission).

Conditions:
Primary ciliary dyskinesia 7. Also called: CILIARY DYSKINESIA, PRIMARY, 7, WITH OR WITHOUT SITUS INVERSUS. Identifiers: Orphanet 244, MedGen C2678473, MONDO:0012748, OMIM 611884.

gnomAD v4.1: 13 of 1,613,746 alleles (0.00081%); highest among the groups gnomAD compares: Non-Finnish European, 0.0011%; no homozygotes.

Submission:

Broad Center for Mendelian Genomics, Broad Institute of MIT and Harvard
Classification: Uncertain significance for Primary ciliary dyskinesia 7. Last evaluated: 2025-02-19. Review status: criteria provided, single submitter. Criteria: ACMG Guidelines, 2015. Collection method: curation. Allele origin: germline. Inheritance: Autosomal recessive inheritance.
Comment: The p.Tyr3275Ser variant in DNAH11 has been reported in 1 individual with primary ciliary dyskinesia (PMID: 29363216), and has been identified in 0.001% (13/1179766) of European (non-Finnish) chromosomes by the Genome Aggregation Database (gnomAD; dbSNP rs536938755). Although this variant has been seen in the general population in a heterozygous state, its frequency is low enough to be consistent with a recessive carrier frequency. Computational prediction tools and conservation analyses suggest that this variant may impact the protein, though this information is not predictive enough to determine pathogenicity. In summary, the clinical significance of the p.Tyr3275Ser variant is uncertain. ACMG/AMP Criteria applied: PP3_moderate, PM2_supporting (Richards 2015).